The following is an entry in ClinVar:

ClinVar aggregate classification (germline): Likely benign. Review status: criteria provided, single submitter (1 of 4 stars). 2 submissions from 2 submitters: Likely benign (1). 1 of the submissions does not count toward it. Last evaluated 2025-07-16.

Conditions:
UNC13A-related disorder. Also called: UNC13A-related condition.

Allele frequency attached by ClinVar (database versions not stated): ExAC 0.00014; gnomAD 0.00003; TOPMed 0.00005; gnomAD exomes 0.00006.
gnomAD v4.1: 91 of 1,607,894 alleles (0.0057%); highest among the groups gnomAD compares: South Asian, 0.038%; no homozygotes.

Submissions (2):

Mayo Clinic Laboratories, Mayo Clinic
Classification: Likely benign. Last evaluated: 2025-07-16. Review status: criteria provided, single submitter. Criteria: ACMG Guidelines, 2015. Collection method: clinical testing. Allele origin: germline. Observed: 1 variant allele.
Comment: BP4, BP7

PreventionGenetics, part of Exact Sciences
Classification: Likely benign for UNC13A-related condition. Last evaluated: 2022-12-20. Review status: no assertion criteria provided. Collection method: clinical testing. Allele origin: germline. Not counted in ClinVar's aggregate classification.
Comment: This variant is classified as likely benign based on ACMG/AMP sequence variant interpretation guidelines (Richards et al. 2015 PMID: 25741868, with internal and published modifications).

NM_001080421.3(UNC13A):c.1998C>T (p.Ser666=)

Gene: UNC13A (unc-13 homolog A; minus strand). Cytogenetic location: 19p13.11.
Variant type: single nucleotide variant.
Coding change: c.1998C>T on transcript NM_001080421.3 (MANE Select); coding-DNA position 1998, C replaced by T.
Protein change: p.Ser666=; no amino-acid change (serine 666 retained).
Molecular consequence: synonymous variant.
Genome position (GRCh38, 1-based): chr19:17,647,311, G>A on the plus strand (C>T on the coding strand, the complement: UNC13A is on the minus strand). VCF-style: chr19-17647311-G-A. GRCh37 (hg19) VCF-style: chr19-17758120-G-A.
Other names: p.Ser666=; c.1992C>T, p.Ser664= (NM_001387021.1, NM_001387022.1, NM_001387023.1).
Identifiers: ClinVar variation 3032388 (VCV003032388.3), dbSNP rs774022787, ClinGen allele CA9298354.